The following is an entry in ClinVar:

ClinVar aggregate classification (germline): Benign. Review status: criteria provided, multiple submitters, no conflicts (2 of 4 stars). 3 submissions from 3 submitters: Benign (3). Last evaluated 2021-06-10.

Conditions:
Miyoshi muscular dystrophy 1 (MMD1). Identifiers: Orphanet 45448, MedGen C4551973, MONDO:0024545, OMIM 254130.

Allele frequency attached by ClinVar (database versions not stated): gnomAD exomes 0.02944; 1000 Genomes Project 0.08127; gnomAD 0.08378 and 0.08837; 1000 Genomes Project 30x 0.08698; TOPMed 0.08908.
gnomAD v4.1: 46,768 of 1,300,514 alleles (3.6%); highest among the groups gnomAD compares: African/African-American, 23%; 2,243 homozygotes.

Submissions (3):

Genome-Nilou Lab
Classification: Benign for Miyoshi muscular dystrophy 1. Last evaluated: 2021-06-10. Review status: criteria provided, single submitter. Criteria: ACMG Guidelines, 2015. Collection method: clinical testing. Allele origin: germline. Affected: no.

GeneDx
Classification: Benign. Last evaluated: 2018-06-19. Review status: criteria provided, single submitter. Criteria: GeneDx Variant Classification (06012015). Collection method: clinical testing. Allele origin: germline. Affected: yes.
Comment: This variant is considered likely benign or benign based on one or more of the following criteria: it is a conservative change, it occurs at a poorly conserved position in the protein, it is predicted to be benign by multiple in silico algorithms, and/or has population frequency not consistent with disease.

Breakthrough Genomics
Classification: Benign. Review status: criteria provided, single submitter. Criteria: ACMG Guidelines, 2015. Collection method: not provided. Allele origin: germline. Inheritance: Autosomal recessive inheritance. Affected: yes.

NM_001130987.2(DYSF):c.4221+119A>G

Gene: DYSF (dysferlin; plus strand). Cytogenetic location: 2p13.2.
Variant type: single nucleotide variant.
Coding change: c.4221+119A>G on transcript NM_001130987.2 (MANE Select); 119 bases into the intron after coding-DNA position 4221, A replaced by G.
Molecular consequence: intron variant.
Genome position (GRCh38, 1-based): chr2:71,611,745, A>G. VCF-style: chr2-71611745-A-G. GRCh37 (hg19) VCF-style: chr2-71838875-A-G.
Other names: c.4260+119A>G (NM_001130979.2); c.4218+119A>G (NM_001130981.2, NM_001130980.2); c.4167+119A>G (NM_001130978.2, NM_003494.4); c.4125+119A>G (NM_001130977.2, NM_001130976.2); c.4263+119A>G (NM_001130982.2); c.4221+119A>G (NM_001130985.2); c.4170+119A>G (NM_001130983.2, NM_001130455.2); c.4128+119A>G (NM_001130984.2, NM_001130986.2).
Identifiers: ClinVar variation 670490 (VCV000670490.5), dbSNP rs1814333, ClinGen allele CA49779197.